The following is an entry in ClinVar:

ClinVar aggregate classification (germline): Conflicting classifications of pathogenicity. Review status: criteria provided, conflicting classifications (1 of 4 stars). 5 submissions from 5 submitters: Uncertain significance (4); Likely benign (1). Last evaluated 2026-07-16.

Conditions:
COL4A1-related disorder. Also called: COL4A1-related disorders; COL4A1-related condition. Identifiers: MedGen CN376119, MONDO:0800461.
Microangiopathy and leukoencephalopathy, pontine, autosomal dominant. Also called: DEMENTIA, HEREDITARY MULTI-INFARCT, SWEDISH TYPE; Pontine autosomal dominant microangiopathy with leukoencephalopathy. Identifiers: Orphanet 477749, MedGen C5231411, MONDO:0032814, OMIM 618564.
Hemorrhage, intracerebral, susceptibility to (ICH). Also called: Stroke, hemorrhagic, susceptibility to. Identifiers: MedGen C3281105, MONDO:0100533, OMIM 614519.
Retinal arterial tortuosity. Also called: RETINAL HEMORRHAGE WITH VASCULAR TORTUOSITY; Retinal arteries, tortuosity of. Identifiers: Orphanet 75326, MedGen C0423401, MONDO:0008373, OMIM 180000, HP:0000631.
Brain small vessel disease 1 with or without ocular anomalies (BSVD1). Also called: PORENCEPHALY, TYPE 1, AUTOSOMAL DOMINANT; GOULD SYNDROME 1; Brain small vessel disease with or without ocular anomalies; BRAIN SMALL VESSEL DISEASE WITH HEMORRHAGE. Identifiers: Orphanet 2940, Orphanet 36383, Orphanet 99810, MedGen C4755307, MONDO:0008289, OMIM 175780.
Autosomal dominant familial hematuria-retinal arteriolar tortuosity-contractures syndrome. Also called: Angiopathy, hereditary, with nephropathy, aneurysms, and muscle cramps; Hereditary Angiopathy with Nephropathy, Aneurysms, and Muscle Cramps (HANAC) Syndrome. Identifiers: Orphanet 73229, MedGen C2673195, MONDO:0012726, OMIM 611773.

Allele frequency attached by ClinVar (database versions not stated): ESP Exome Variant Server 0.00015; TOPMed 0.00018; gnomAD 0.00019 and 0.00020.
gnomAD v4.1: 41 of 1,613,694 alleles (0.0025%); highest among the groups gnomAD compares: African/African-American, 0.052%; no homozygotes.

Submissions (5):

PreventionGenetics, part of Exact Sciences
Classification: Uncertain significance for COL4A1-related condition. Last evaluated: 2026-07-16. Review status: criteria provided, single submitter. Criteria: ACMG Guidelines, 2015. Collection method: clinical testing. Allele origin: germline.
Comment: The COL4A1 c.1820G>T variant is predicted to result in the amino acid substitution p.Gly607Val. This variant has been reported in an individual with chronic kidney disease (Table S3, Bleyer et al. 2022. PubMed ID: 35325889). This variant impacts a glycine (Gly) residue within the highly conserved collagen triple helical domain (Gly-X-Y; amino acids 173-1440) where Gly substitutions are expected to be pathogenic. However, this variant is also reported in 0.061% of alleles in individuals of African descent in gnomAD and is interpreted as uncertain significance in ClinVar. At this time, the clinical significance of this variant is uncertain due to the absence of conclusive functional and genetic evidence.

Labcorp Genetics (formerly Invitae), Labcorp
Classification: Likely benign. Last evaluated: 2026-01-06. Review status: criteria provided, single submitter. Criteria: Invitae Variant Classification Sherloc (09022015). Collection method: clinical testing. Allele origin: germline.

Fulgent Genetics
Classification: Uncertain significance for Brain small vessel disease 1 with or without ocular anomalies; Retinal arterial tortuosity; Autosomal dominant familial hematuria-retinal arteriolar tortuosity-contractures syndrome; Hemorrhage, intracerebral, susceptibility to; Microangiopathy and leukoencephalopathy, pontine, autosomal dominant. Last evaluated: 2024-06-10. Review status: criteria provided, single submitter. Criteria: ACMG Guidelines, 2015. Collection method: clinical testing. Allele origin: germline.

Revvity Omics, Revvity
Classification: Uncertain significance. Last evaluated: 2024-06-07. Review status: criteria provided, single submitter. Criteria: ACMG Guidelines, 2015. Collection method: clinical testing. Allele origin: germline.

GeneDx
Classification: Uncertain significance. Last evaluated: 2017-03-01. Review status: criteria provided, single submitter. Criteria: GeneDx Variant Classification (06012015). Collection method: clinical testing. Allele origin: germline. Affected: yes.
Comment: The G607V variant in the COL4A1 gene has not been reported previously as a pathogenic variant, nor as a benign variant, to our knowledge. The G607V variant is observed in 4/9448 (0.04%) alleles from individuals of African background, in the ExAC dataset (Lek et al., 2016). The G607V variant is a conservative amino acid substitution, which is not likely to impact secondary protein structure as these residues share similar properties. This substitution occurs at a position that is conserved across species. In silico analysis predicts this variant is probably damaging to the protein structure/function. We interpret G607V as a variant of uncertain significance.

NM_001845.6(COL4A1):c.1820G>T (p.Gly607Val)

Gene: COL4A1 (collagen type IV alpha 1 chain; minus strand). Cytogenetic location: 13q34.
Variant type: single nucleotide variant.
Coding change: c.1820G>T on transcript NM_001845.6 (MANE Select); coding-DNA position 1820, G replaced by T.
Protein change: p.Gly607Val; replaces glycine 607 with valine.
Molecular consequence: missense variant.
Genome position (GRCh38, 1-based): chr13:110,186,462, C>A on the plus strand (G>T on the coding strand, the complement: COL4A1 is on the minus strand). VCF-style: chr13-110186462-C-A. GRCh37 (hg19) VCF-style: chr13-110838809-C-A.
Other names: c.1820G>T (NM_001845.5); short protein forms G607V.
Identifiers: ClinVar variation 423825 (VCV000423825.13), dbSNP rs148781420, ClinGen allele CA7047821.